The following is an entry in ClinVar:

ClinVar aggregate classification (germline): Uncertain significance (1 of 4 stars; one submission).

Conditions:
Hereditary cancer-predisposing syndrome. Also called: Tumor predisposition; Neoplastic Syndromes, Hereditary; Hereditary Cancer Syndrome; Hereditary neoplastic syndrome. Identifiers: Orphanet 140162, MedGen C0027672, MeSH D009386, MONDO:0015356.

Submission:

Ambry Genetics
Classification: Uncertain significance for Hereditary cancer-predisposing syndrome. Last evaluated: 2025-02-03. Review status: criteria provided, single submitter. Criteria: Ambry Variant Classification Scheme 2023. Collection method: clinical testing. Allele origin: germline.
Comment: The p.G239A variant (also known as c.716G>C), located in coding exon 3 of the PHOX2B gene, results from a G to C substitution at nucleotide position 716. The glycine at codon 239 is replaced by alanine, an amino acid with similar properties. This amino acid position is conserved. In addition, this alteration is predicted to be tolerated by in silico analysis. Based on the available evidence, the clinical significance of this variant remains unclear.

NM_003924.4(PHOX2B):c.716G>C (p.Gly239Ala)

Gene: PHOX2B (paired like homeobox 2B; minus strand). Cytogenetic location: 4p13.
Variant type: single nucleotide variant.
Coding change: c.716G>C on transcript NM_003924.4 (MANE Select); coding-DNA position 716, G replaced by C.
Protein change: p.Gly239Ala; replaces glycine 239 with alanine.
Molecular consequence: missense variant.
Genome position (GRCh38, 1-based): chr4:41,746,036, C>G on the plus strand (G>C on the coding strand, the complement: PHOX2B is on the minus strand). VCF-style: chr4-41746036-C-G. GRCh37 (hg19) VCF-style: chr4-41748053-C-G.
Other names: short protein forms G239A.
Identifiers: ClinVar variation 3888484 (VCV003888484.1).